The following is an entry in ClinVar:

ClinVar aggregate classification (germline): Likely pathogenic (1 of 4 stars; one submission).

Conditions:
Developmental delay with variable intellectual disability and dysmorphic facies. Identifiers: MedGen C5774242, MONDO:0859306, OMIM 620098.

Submission:

3billion
Classification: Likely pathogenic for Developmental delay with variable intellectual disability and dysmorphic facies. Last evaluated: 2025-11-14. Review status: criteria provided, single submitter. Criteria: ACMG Guidelines, 2015. Collection method: clinical testing. Allele origin: germline. Affected: yes.
Comment: The variant is not observed in the gnomAD v4.1.0 dataset. Predicted Consequence/Location: Frameshift: predicted to result in a loss or disruption of normal protein function through nonsense-mediated decay (NMD) or protein truncation. Multiple pathogenic variants are reported downstream of the variant. Therefore, this variant is classified as Likely pathogenic according to the recommendation of ACMG/AMP guideline.

NM_004973.4(JARID2):c.1609_1627del (p.Gln537fs)

Gene: JARID2 (jumonji and AT-rich interaction domain containing 2; plus strand). Cytogenetic location: 6p22.3.
Variant type: Deletion.
Coding change: c.1609_1627del on transcript NM_004973.4 (MANE Select); coding-DNA positions 1609 to 1627, 19 bases deleted (CAGGACTCGGGCAAGGCCG).
Protein change: p.Gln537fs; shifts the reading frame from glutamine 537.
Molecular consequence: frameshift variant.
Genome position (GRCh38, 1-based): chr6:15,496,834-15,496,852, CAGGACTCGGGCAAGGCCG deleted; deleting any 19 consecutive bases within chr6:15,496,830-15,496,852 gives the same sequence; the c. name uses the placement nearest the transcript's 3' end. VCF-style (leftmost placement, unchanged base first): chr6-15496829-AGCCGCAGGACTCGGGCAAG-A. GRCh37 (hg19) VCF-style: chr6-15497060-AGCCGCAGGACTCGGGCAAG-A.
Other names: c.1093_1111del, p.Gln365fs (NM_001267040.1); short protein forms Q365fs, Q537fs.
Identifiers: ClinVar variation 4855941 (VCV004855941.1).